The following is an entry in ClinVar:

ClinVar aggregate classification (germline): Likely benign (0 of 4 stars; one submission).

Submission:

ISCA site 1
Classification: Likely benign. Last evaluated: 2011-05-06. Review status: no assertion criteria provided. Collection method: clinical testing. Allele origin: paternal. Affected: yes. Observed: 1 variant allele.
Comment: Copy number variation identified through the course of routine clinical cytogenomic testing in postnatal populations. Clinical assertions have been curated as described in Kaminsky et al. 2011.

Copy number variation identified through the course of routine clinical cytogenomic testing in postnatal populations. Clinical assertions have been curated as described in Kaminsky, et al. 2011 (PubMed 21844811). For additional ClinGen data, please see nstd37.

GRCh38/hg38 Xq28(chrX:155678751-155951918)x1

Genes: SPRY3 (sprouty RTK signaling antagonist 3; plus strand), VAMP7 (vesicle associated membrane protein 7; plus strand), LOC107522039 (meiotic recombination hotspot PAR2; plus strand), LOC107838685 (meiotic recombination hotspot PAR2A; plus strand). Cytogenetic location: Xq28.
Variant type: copy number loss.
Change: copy number 1 of chrX:155,678,751-155,951,918 (273.2 kb, GRCh38 coordinates, 1-based), cytogenetic band Xq28.
Identifiers: ClinVar variation 144126 (VCV000144126.2).